The following is an entry in ClinVar:

ClinVar aggregate classification (germline): Likely pathogenic (1 of 4 stars; one submission).

Conditions:
Autosomal recessive nonsyndromic hearing loss 2. Also called: NEUROSENSORY NONSYNDROMIC RECESSIVE DEAFNESS 2; DEAFNESS, AUTOSOMAL RECESSIVE 2. Identifiers: Orphanet 90636, MedGen C1838701, MONDO:0010807, OMIM 600060.

gnomAD v4.1: 1 of 1,592,254 alleles (0.000063%); highest among the groups gnomAD compares: Non-Finnish European, 0.000085%; no homozygotes.

Submission:

Institute of Rare Diseases, West China Hospital, Sichuan University
Classification: Likely pathogenic for Autosomal recessive nonsyndromic hearing loss 2. Last evaluated: 2025-01-09. Review status: criteria provided, single submitter. Criteria: ClinGen HL ACMG Specifications v1. Collection method: research. Allele origin: germline. Affected: yes.
Comment: PM3_Strong;PP1;PM2_Supporting;PP3

NM_000260.4(MYO7A):c.6113G>A (p.Gly2038Glu)

Gene: MYO7A (myosin VIIA; plus strand). Cytogenetic location: 11q13.5.
Variant type: single nucleotide variant.
Coding change: c.6113G>A on transcript NM_000260.4 (MANE Select); coding-DNA position 6113, G replaced by A.
Protein change: p.Gly2038Glu; replaces glycine 2038 with glutamic acid.
Molecular consequence: missense variant.
Genome position (GRCh38, 1-based): chr11:77,211,213, G>A. VCF-style: chr11-77211213-G-A. GRCh37 (hg19) VCF-style: chr11-76922258-G-A.
Other names: c.5999G>A, p.Gly2000Glu (NM_001127180.2); c.5966G>A, p.Gly1989Glu (NM_001369365.1); short protein forms G1989E, G2000E, G2038E.
Identifiers: ClinVar variation 3601497 (VCV003601497.1).
Genomic context (GRCh38, chr11:77,211,213, plus strand): 5'-AGTTGCCCAAGTATCTCCGAGGCTACCACAAGTGCACGCGGGAGGAGGTGCTGCAGCTGG[G>A]GGCGCTGATCTACAGGGTCAAGTTCGAGGAGGACAAGTCCTACTTCCCCAGCATCCCCAA-3'
Protein context (NP_000251.3, residues 2028-2048): KCTREEVLQL[Gly2038Glu]ALIYRVKFEE